The following is an entry in ClinVar:

NM_032229.3(SLITRK6):c.1750G>A (p.Val584Ile)

Gene: SLITRK6 (SLIT and NTRK like family member 6; minus strand). Cytogenetic location: 13q31.1.
Variant type: single nucleotide variant.
Coding change: c.1750G>A on transcript NM_032229.3 (MANE Select); coding-DNA position 1750, G replaced by A.
Protein change: p.Val584Ile; replaces valine 584 with isoleucine.
Molecular consequence: missense variant.
Genome position (GRCh38, 1-based): chr13:85,794,759, C>T on the plus strand (G>A on the coding strand, the complement: SLITRK6 is on the minus strand). VCF-style: chr13-85794759-C-T. GRCh37 (hg19) VCF-style: chr13-86368894-C-T.
Other names: short protein forms V584I.
Identifiers: ClinVar variation 2555019 (VCV002555019.3), dbSNP rs2501100589, ClinGen allele CA388374704.

ClinVar aggregate classification (germline): Uncertain significance. Review status: criteria provided, multiple submitters, no conflicts (2 of 4 stars). 2 submissions from 2 submitters: Uncertain significance (2). Last evaluated 2025-02-05.

Conditions:
Inborn genetic diseases. Identifiers: MedGen C0950123, MeSH D030342.

Allele frequency attached by ClinVar (database versions not stated): gnomAD exomes 0.00001.
gnomAD v4.1: 6 of 1,613,180 alleles (0.00037%); highest among the groups gnomAD compares: African/African-American, 0.0013%; no homozygotes.

Submissions (2):

GeneDx
Classification: Uncertain significance. Last evaluated: 2025-02-05. Review status: criteria provided, single submitter. Criteria: GeneDx Variant Classification Process June 2021. Collection method: clinical testing. Allele origin: germline. Affected: yes.
Comment: Not observed at significant frequency in large population cohorts (gnomAD); In silico analysis indicates that this missense variant does not alter protein structure/function; Has not been previously published as pathogenic or benign to our knowledge

Ambry Genetics
Classification: Uncertain significance for Inborn genetic diseases. Last evaluated: 2023-06-01. Review status: criteria provided, single submitter. Criteria: Ambry Variant Classification Scheme 2023. Collection method: clinical testing. Allele origin: germline.